The following is an entry in ClinVar:

ClinVar aggregate classification (germline): Uncertain significance (1 of 4 stars; one submission).

Submission:

Labcorp Genetics (formerly Invitae), Labcorp
Classification: Uncertain significance. Last evaluated: 2024-10-20. Review status: criteria provided, single submitter. Criteria: Invitae Variant Classification Sherloc (09022015). Collection method: clinical testing. Allele origin: germline.
Comment: This sequence change replaces arginine, which is basic and polar, with histidine, which is basic and polar, at codon 474 of the SALL2 protein (p.Arg474His). This variant is present in population databases (rs764428403, gnomAD 0.006%). This variant has not been reported in the literature in individuals affected with SALL2-related conditions. An algorithm developed to predict the effect of missense changes on protein structure and function (PolyPhen-2) suggests that this variant is likely to be disruptive. In summary, the available evidence is currently insufficient to determine the role of this variant in disease. Therefore, it has been classified as a Variant of Uncertain Significance.

NM_001364564.1(SALL2):c.1415G>A (p.Arg472His)

Gene: SALL2 (spalt like transcription factor 2; minus strand). Cytogenetic location: 14q11.2.
Variant type: single nucleotide variant.
Coding change: c.1415G>A on transcript NM_001364564.1 (MANE Select); coding-DNA position 1415, G replaced by A.
Protein change: p.Arg472His; replaces arginine 472 with histidine.
Molecular consequence: missense variant.
Genome position (GRCh38, 1-based): chr14:21,524,307, C>T on the plus strand (G>A on the coding strand, the complement: SALL2 is on the minus strand). VCF-style: chr14-21524307-C-T. GRCh37 (hg19) VCF-style: chr14-21992441-C-T.
Other names: c.1016G>A, p.Arg339His (NM_001291446.2); c.1010G>A, p.Arg337His (NM_001291447.2); c.1421G>A, p.Arg474His (NM_005407.3); short protein forms R339H, R474H, R472H, R337H.
Identifiers: ClinVar variation 3708899 (VCV003708899.2).